The following is an entry in ClinVar:

NM_005228.5(EGFR):c.372C>T (p.Asn124=)

Gene: EGFR (epidermal growth factor receptor; plus strand). Cytogenetic location: 7p11.2.
Variant type: single nucleotide variant.
Coding change: c.372C>T on transcript NM_005228.5 (MANE Select); coding-DNA position 372, C replaced by T.
Protein change: p.Asn124=; no amino-acid change (asparagine 124 retained).
Molecular consequence: synonymous variant. On other transcripts: intron variant (1).
Genome position (GRCh38, 1-based): chr7:55,143,436, C>T. VCF-style: chr7-55143436-C-T. GRCh37 (hg19) VCF-style: chr7-55211129-C-T.
Other names: p.Asn124=; c.372C>T, p.Asn124= (NM_001346897.2, NM_001346898.2, NM_001346899.2 and 3 more transcripts); c.213C>T, p.Asn71= (NM_001346900.2); c.89-12394C>T (NM_001346941.2); c.372C>T (NM_005228.3).
Identifiers: ClinVar variation 1124408 (VCV001124408.11), dbSNP rs142553829, ClinGen allele CA4265186.
Genomic context (GRCh38, chr7:55,143,436, plus strand): 5'-GCAGATCATCAGAGGAAATATGTACTACGAAAATTCCTATGCCTTAGCAGTCTTATCTAA[C>T]TATGATGCAAATAAAACCGGACTGAAGGAGCTGCCCATGAGAAATTTACAGGGTGAGAGG-3'
Protein context (NP_005219.2, residues 114-134): ENSYALAVLS[Asn124=]YDANKTGLKE

ClinVar aggregate classification (germline): Likely benign. Review status: criteria provided, multiple submitters, no conflicts (2 of 4 stars). 3 submissions from 3 submitters: Likely benign (3). Last evaluated 2025-11-19.

Conditions:
Hereditary cancer-predisposing syndrome. Also called: Hereditary neoplastic syndrome; Neoplastic Syndromes, Hereditary; Tumor predisposition; Hereditary Cancer Syndrome. Identifiers: Orphanet 140162, MedGen C0027672, MeSH D009386, MONDO:0015356.
EGFR-related lung cancer (EGFR). Identifiers: MedGen CN130014.

Allele frequency attached by ClinVar (database versions not stated): gnomAD exomes below 0.00001; ExAC 0.00001; gnomAD 0.00001; TOPMed 0.00001; ESP Exome Variant Server 0.00008.
gnomAD v4.1: 4 of 1,614,088 alleles (0.00025%); highest among the groups gnomAD compares: African/African-American, 0.0053%; no homozygotes.

Submissions (3):

Labcorp Genetics (formerly Invitae), Labcorp
Classification: Likely benign for EGFR-related lung cancer. Last evaluated: 2025-11-19. Review status: criteria provided, single submitter. Criteria: Invitae Variant Classification Sherloc (09022015). Collection method: clinical testing. Allele origin: germline.

Mayo Clinic Laboratories, Mayo Clinic
Classification: Likely benign. Last evaluated: 2025-07-23. Review status: criteria provided, single submitter. Criteria: ACMG Guidelines, 2015. Collection method: clinical testing. Allele origin: germline. Observed: 1 variant allele.
Comment: BP4, BP7

Ambry Genetics
Classification: Likely benign for Hereditary cancer-predisposing syndrome. Last evaluated: 2025-06-09. Review status: criteria provided, single submitter. Criteria: Ambry Variant Classification Scheme 2023. Collection method: clinical testing. Allele origin: germline.